The following is an entry in ClinVar:

NM_144999.4(LRRC45):c.646G>A (p.Val216Ile)

Gene: LRRC45 (leucine rich repeat containing 45; plus strand). Cytogenetic location: 17q25.3.
Variant type: single nucleotide variant.
Coding change: c.646G>A on transcript NM_144999.4 (MANE Select); coding-DNA position 646, G replaced by A.
Protein change: p.Val216Ile; replaces valine 216 with isoleucine.
Molecular consequence: missense variant.
Genome position (GRCh38, 1-based): chr17:82,025,492, G>A. VCF-style: chr17-82025492-G-A. GRCh37 (hg19) VCF-style: chr17-79983368-G-A.
Other names: short protein forms V216I.
Identifiers: ClinVar variation 4987176 (VCV004987176.1).

ClinVar aggregate classification (germline): Uncertain significance (1 of 4 stars; one submission).

Conditions:
LRRC45-related disorder. Also called: LRRC45-related condition.

gnomAD v4.1: 11 of 1,606,386 alleles (0.00068%); highest among the groups gnomAD compares: Middle Eastern, 0.016%; no homozygotes.

Submission:

PreventionGenetics, part of Exact Sciences
Classification: Uncertain significance for LRRC45-related condition. Last evaluated: 2025-09-20. Review status: criteria provided, single submitter. Criteria: ACMG Guidelines, 2015. Collection method: clinical testing. Allele origin: germline.
Comment: The LRRC45 c.646G>A variant is predicted to result in the amino acid substitution p.Val216Ile. To our knowledge, this variant has not been reported in the literature. This variant is reported in 0.00090% of alleles in individuals of European (Non-Finnish) descent in gnomAD. At this time, the clinical significance of this variant is uncertain due to the absence of conclusive functional and genetic evidence.